The following is an entry in ClinVar:

ClinVar aggregate classification (germline): Uncertain significance. Review status: criteria provided, multiple submitters, no conflicts (2 of 4 stars). 4 submissions from 4 submitters: Uncertain significance (4). Last evaluated 2025-05-10.

Conditions:
Hereditary cancer-predisposing syndrome. Also called: Tumor predisposition; Hereditary Cancer Syndrome; Hereditary neoplastic syndrome; Neoplastic Syndromes, Hereditary. Identifiers: Orphanet 140162, MedGen C0027672, MeSH D009386, MONDO:0015356.
Ataxia-telangiectasia syndrome (AT). Also called: LOUIS-BAR SYNDROME; Cerebello-oculocutaneous telangiectasia; Immunodeficiency with ataxia telangiectasia; ATAXIA-TELANGIECTASIA, COMPLEMENTATION GROUP A; ATAXIA-TELANGIECTASIA, FRESNO VARIANT; Ataxia-telangiectasia. Identifiers: Orphanet 100, MedGen C0004135, MONDO:0008840, OMIM 208900.

Allele frequency attached by ClinVar (database versions not stated): gnomAD exomes below 0.00001.
gnomAD v4.1: 2 of 1,599,380 alleles (0.00013%); highest among the groups gnomAD compares: Non-Finnish European, 0.00017%; no homozygotes.

Submissions (4):

Ambry Genetics
Classification: Uncertain significance for Hereditary cancer-predisposing syndrome. Last evaluated: 2025-05-10. Review status: criteria provided, single submitter. Criteria: Ambry Variant Classification Scheme 2023. Collection method: clinical testing. Allele origin: germline.
Comment: The p.F172L variant (also known as c.514T>C), located in coding exon 5 of the ATM gene, results from a T to C substitution at nucleotide position 514. The phenylalanine at codon 172 is replaced by leucine, an amino acid with highly similar properties. This amino acid position is not well conserved in available vertebrate species. In addition, this alteration is predicted to be tolerated by in silico analysis. Since supporting evidence is limited at this time, the clinical significance of this alteration remains unclear.

Labcorp Genetics (formerly Invitae), Labcorp
Classification: Uncertain significance for Ataxia-telangiectasia syndrome. Last evaluated: 2024-04-22. Review status: criteria provided, single submitter. Criteria: Invitae Variant Classification Sherloc (09022015). Collection method: clinical testing. Allele origin: germline.
Comment: This sequence change replaces phenylalanine, which is neutral and non-polar, with leucine, which is neutral and non-polar, at codon 172 of the ATM protein (p.Phe172Leu). This variant is not present in population databases (gnomAD no frequency). This variant has not been reported in the literature in individuals affected with ATM-related conditions. ClinVar contains an entry for this variant (Variation ID: 184674). An algorithm developed to predict the effect of missense changes on protein structure and function (PolyPhen-2) suggests that this variant is likely to be tolerated. In summary, the available evidence is currently insufficient to determine the role of this variant in disease. Therefore, it has been classified as a Variant of Uncertain Significance.

Color Diagnostics, LLC DBA Color Health
Classification: Uncertain significance for Hereditary cancer-predisposing syndrome. Last evaluated: 2024-03-06. Review status: criteria provided, single submitter. Criteria: ACMG Guidelines, 2015. Collection method: clinical testing. Allele origin: germline.
Comment: This missense variant replaces phenylalanine with leucine at codon 172 of the ATM protein. Computational prediction tool suggests that this variant may not impact protein structure and function (internally defined REVEL score threshold <=0.5, PMID: 27666373). Splice site prediction tools suggest that this variant may not impact RNA splicing. To our knowledge, functional studies have not been performed for this variant. This variant has not been reported in individuals affected with hereditary cancer in the literature. This variant has not been identified in the general population by the Genome Aggregation Database (gnomAD). The available evidence is insufficient to determine the role of this variant in disease conclusively. Therefore, this variant is classified as a Variant of Uncertain Significance.

GeneDx
Classification: Uncertain significance. Last evaluated: 2021-05-14. Review status: criteria provided, single submitter. Criteria: GeneDx Variant Classification Process June 2021. Collection method: clinical testing. Allele origin: germline. Affected: yes.
Comment: Has not been previously published as pathogenic or benign to our knowledge; In silico analysis supports that this missense variant has a deleterious effect on protein structure/function; Not observed in large population cohorts (Lek 2016)

NM_000051.4(ATM):c.514T>C (p.Phe172Leu)

Gene: ATM (ATM serine/threonine kinase; plus strand). Cytogenetic location: 11q22.3.
Variant type: single nucleotide variant.
Coding change: c.514T>C on transcript NM_000051.4 (MANE Select); coding-DNA position 514, T replaced by C.
Protein change: p.Phe172Leu; replaces phenylalanine 172 with leucine.
Molecular consequence: missense variant.
Genome position (GRCh38, 1-based): chr11:108,243,970, T>C. VCF-style: chr11-108243970-T-C. GRCh37 (hg19) VCF-style: chr11-108114697-T-C.
Other names: c.514T>C, p.Phe172Leu (NM_001351834.2); short protein forms F172L.
Identifiers: ClinVar variation 184674 (VCV000184674.20), dbSNP rs786201608, ClinGen allele CA189656.